The following is an entry in ClinVar:

NM_020975.6(RET):c.3187+4G>T

Gene: RET (ret proto-oncogene; plus strand). Cytogenetic location: 10q11.21.
Variant type: single nucleotide variant.
Coding change: c.3187+4G>T on transcript NM_020975.6 (MANE Select); 4 bases into the intron after coding-DNA position 3187, G replaced by T.
Molecular consequence: intron variant. On other transcripts: missense variant (18).
Genome position (GRCh38, 1-based): chr10:43,126,726, G>T. VCF-style: chr10-43126726-G-T. GRCh37 (hg19) VCF-style: chr10-43622174-G-T.
Other names: c.2429G>T, p.Arg810Ile (NM_001355216.2); c.3062G>T, p.Arg1021Ile (NM_001406764.1); c.2165G>T, p.Arg722Ile (NM_001406786.1); c.2159G>T, p.Arg720Ile (NM_001406787.1); c.2006G>T, p.Arg669Ile (NM_001406790.1); c.1886G>T, p.Arg629Ile (NM_001406791.1); c.1742G>T, p.Arg581Ile (NM_001406794.1); c.3191G>T, p.Arg1064Ile (NM_020630.7); and 10 more; short protein forms R581I, R765I, R822I, R889I, R1021I, R629I, R810I, R918I.
Identifiers: ClinVar variation 2086643 (VCV002086643.4), dbSNP rs2133038181, ClinGen allele CA376558573.

ClinVar aggregate classification (germline): Uncertain significance (1 of 4 stars; one submission).

Conditions:
Multiple endocrine neoplasia, type 2 (MEN2). Identifiers: Orphanet 653, MedGen C4048306, MONDO:0019003. Disease mechanism: gain of function.

Submission:

Labcorp Genetics (formerly Invitae), Labcorp
Classification: Uncertain significance for Multiple endocrine neoplasia, type 2. Last evaluated: 2022-01-17. Review status: criteria provided, single submitter. Criteria: Invitae Variant Classification Sherloc (09022015). Collection method: clinical testing. Allele origin: germline.
Comment: This variant is not present in population databases (gnomAD no frequency). In summary, the available evidence is currently insufficient to determine the role of this variant in disease. Therefore, it has been classified as a Variant of Uncertain Significance. Variants that disrupt the consensus splice site are a relatively common cause of aberrant splicing (PMID: 17576681, 9536098). Algorithms developed to predict the effect of sequence changes on RNA splicing suggest that this variant is not likely to affect RNA splicing. This variant has not been reported in the literature in individuals affected with RET-related conditions. This sequence change falls in intron 19 of the RET gene. It does not directly change the encoded amino acid sequence of the RET protein. It affects a nucleotide within the consensus splice site.

Literature cited by the submitters: PubMed 17576681; PubMed 9536098.